The following is an entry in ClinVar:

NM_000352.6(ABCC8):c.20G>A (p.Gly7Asp)

Gene: ABCC8 (ATP binding cassette subfamily C member 8; minus strand). Cytogenetic location: 11p15.1.
Variant type: single nucleotide variant.
Coding change: c.20G>A on transcript NM_000352.6 (MANE Select); coding-DNA position 20, G replaced by A.
Protein change: p.Gly7Asp; replaces glycine 7 with aspartic acid.
Molecular consequence: missense variant. On other transcripts: non-coding transcript variant (1).
Genome position (GRCh38, 1-based): chr11:17,476,757, C>T on the plus strand (G>A on the coding strand, the complement: ABCC8 is on the minus strand). VCF-style: chr11-17476757-C-T. GRCh37 (hg19) VCF-style: chr11-17498304-C-T.
Other names: c.20G>A, p.Gly7Asp (NM_001287174.3, NM_001351295.2, NM_001351296.2 and 1 more transcripts); short protein forms G7D.
Identifiers: ClinVar variation 2026212 (VCV002026212.6), dbSNP rs1848809864, ClinGen allele CA379790378.
Genomic context (GRCh38, chr11:17,476,757, plus strand): 5'-AAGCAGCCGTTGTTGAGGACCCCCTGGTCCACCCGGTAGGCGGCCGAGTGGTTCTCGCTG[C>T]CGCAGAAGGCCAGGGGCATGGCGGCGCGGGCGCGGGCTGGGCTCGGGCTCAGCTGGCTCC-3'
Protein context (NP_000343.2, residues 1-17): MPLAFC[Gly7Asp]SENHSAAYRV

ClinVar aggregate classification (germline): Conflicting classifications of pathogenicity. Review status: criteria provided, conflicting classifications (1 of 4 stars). 2 submissions from 2 submitters: Likely pathogenic (1); Uncertain significance (1). Last evaluated 2025-07-15.

Allele frequency attached by ClinVar (database versions not stated): gnomAD exomes 0.00001.
gnomAD v4.1: 5 of 1,586,730 alleles (0.00032%); highest among the groups gnomAD compares: East Asian, 0.012%; no homozygotes.

Submissions (2):

Women's Health and Genetics/Laboratory Corporation of America, LabCorp
Classification: Uncertain significance. Last evaluated: 2025-07-15. Review status: criteria provided, single submitter. Criteria: LabCorp Variant Classification Summary - May 2015. Collection method: clinical testing. Allele origin: germline.
Comment: Variant summary: ABCC8 c.20G>A (p.Gly7Asp) results in a non-conservative amino acid change in the encoded protein sequence. Algorithms developed to predict the effect of missense changes on protein structure and function all suggest that this variant is likely to be disruptive. The variant was absent in 198218 control chromosomes. The available data on variant occurrences in the general population are insufficient to allow any conclusion about variant significance. To our knowledge, no occurrence of c.20G>A in individuals affected with Familial Hyperinsulinism and no experimental evidence demonstrating its impact on protein function have been reported. A different variant affecting the same codon has been classified as likely pathogenic/pathogenic by our lab (c.19G>C, p.Gly7Arg), supporting the critical relevance of codon 7 to ABCC8 protein function. ClinVar contains an entry for this variant (Variation ID: 2026212). Based on the evidence outlined above, the variant was classified as uncertain significance.

Labcorp Genetics (formerly Invitae), Labcorp
Classification: Likely pathogenic. Last evaluated: 2024-01-09. Review status: criteria provided, single submitter. Criteria: Invitae Variant Classification Sherloc (09022015). Collection method: clinical testing. Allele origin: germline.
Comment: This sequence change replaces glycine, which is neutral and non-polar, with aspartic acid, which is acidic and polar, at codon 7 of the ABCC8 protein (p.Gly7Asp). This variant is not present in population databases (gnomAD no frequency). This variant has not been reported in the literature in individuals affected with ABCC8-related conditions. ClinVar contains an entry for this variant (Variation ID: 2026212). Advanced modeling of protein sequence and biophysical properties (such as structural, functional, and spatial information, amino acid conservation, physicochemical variation, residue mobility, and thermodynamic stability) performed at Invitae indicates that this missense variant is expected to disrupt ABCC8 protein function with a positive predictive value of 95%. This variant disrupts the p.Gly7 amino acid residue in ABCC8. Other variant(s) that disrupt this residue have been determined to be pathogenic (PMID: 16357843, 23275527; Invitae). This suggests that this residue is clinically significant, and that variants that disrupt this residue are likely to be disease-causing. In summary, the currently available evidence indicates that the variant is pathogenic, but additional data are needed to prove that conclusively. Therefore, this variant has been classified as Likely Pathogenic.

Literature cited by the submitters: PubMed 16357843 (cited by Labcorp Genetics (formerly Invitae), Labcorp); PubMed 23275527 (cited by Labcorp Genetics (formerly Invitae), Labcorp).